The following is an entry in ClinVar:

NM_006231.4(POLE):c.4691T>C (p.Ile1564Thr)

Gene: POLE (DNA polymerase epsilon, catalytic subunit; minus strand). Cytogenetic location: 12q24.33.
Variant type: single nucleotide variant.
Coding change: c.4691T>C on transcript NM_006231.4 (MANE Select); coding-DNA position 4691, T replaced by C.
Protein change: p.Ile1564Thr; replaces isoleucine 1564 with threonine.
Molecular consequence: missense variant.
Genome position (GRCh38, 1-based): chr12:132,642,857, A>G on the plus strand (T>C on the coding strand, the complement: POLE is on the minus strand). VCF-style: chr12-132642857-A-G. GRCh37 (hg19) VCF-style: chr12-133219443-A-G.
Other names: c.4691T>C (NM_006231.2); short protein forms I1564T.
Identifiers: ClinVar variation 540768 (VCV000540768.12), dbSNP rs1555222691, ClinGen allele CA387378774.
Genomic context (GRCh38, chr12:132,642,857, plus strand): 5'-AGCAAGACCCCAACCACTCTCACCTTGTAGGCGAGCAGGAATCGCTGGATGGCTCTGCAG[A>G]TGGTCTTCAGGTCAGTTTCTGCCCGAACTTCGAAGGTGTGTTTGGGGGGTGGCAGGAGCT-3'
Protein context (NP_006222.2, residues 1554-1574): EVRAETDLKT[Ile1564Thr]CRAIQRFLLA

ClinVar aggregate classification (germline): Uncertain significance. Review status: criteria provided, multiple submitters, no conflicts (2 of 4 stars). 3 submissions from 3 submitters: Uncertain significance (3). Last evaluated 2024-12-09.

Conditions:
Hereditary cancer-predisposing syndrome. Also called: Neoplastic Syndromes, Hereditary; Tumor predisposition; Hereditary Cancer Syndrome; Hereditary neoplastic syndrome. Identifiers: Orphanet 140162, MedGen C0027672, MeSH D009386, MONDO:0015356.

Allele frequency attached by ClinVar (database versions not stated): gnomAD exomes 0.00001.
gnomAD v4.1: 3 of 1,614,016 alleles (0.00019%); highest among the groups gnomAD compares: Non-Finnish European, 0.00025%; no homozygotes.

Submissions (3):

Ambry Genetics
Classification: Uncertain significance for Hereditary cancer-predisposing syndrome. Last evaluated: 2024-12-09. Review status: criteria provided, single submitter. Criteria: Ambry Variant Classification Scheme 2023. Collection method: clinical testing. Allele origin: germline.
Comment: The p.I1564T variant (also known as c.4691T>C), located in coding exon 36 of the POLE gene, results from a T to C substitution at nucleotide position 4691. The isoleucine at codon 1564 is replaced by threonine, an amino acid with similar properties. This amino acid position is well conserved in available vertebrate species. In addition, the in silico prediction for this alteration is inconclusive. Based on the available evidence, the clinical significance of this variant remains unclear.

Labcorp Genetics (formerly Invitae), Labcorp
Classification: Uncertain significance. Last evaluated: 2024-08-08. Review status: criteria provided, single submitter. Criteria: Invitae Variant Classification Sherloc (09022015). Collection method: clinical testing. Allele origin: germline.
Comment: This sequence change replaces isoleucine, which is neutral and non-polar, with threonine, which is neutral and polar, at codon 1564 of the POLE protein (p.Ile1564Thr). This variant is not present in population databases (gnomAD no frequency). This variant has not been reported in the literature in individuals affected with POLE-related conditions. ClinVar contains an entry for this variant (Variation ID: 540768). Advanced modeling of protein sequence and biophysical properties (such as structural, functional, and spatial information, amino acid conservation, physicochemical variation, residue mobility, and thermodynamic stability) performed at Invitae indicates that this missense variant is not expected to disrupt POLE protein function with a negative predictive value of 80%. In summary, the available evidence is currently insufficient to determine the role of this variant in disease. Therefore, it has been classified as a Variant of Uncertain Significance.

Blueprint Genetics
Classification: Uncertain significance. Last evaluated: 2024-05-02. Review status: criteria provided, single submitter. Criteria: ACMG Guidelines, 2015. Collection method: clinical testing. Allele origin: germline.